The following is an entry in ClinVar:

NM_006648.4(WNK2):c.3308G>T (p.Gly1103Val)

Gene: WNK2 (WNK lysine deficient protein kinase 2; plus strand). Cytogenetic location: 9q22.31.
Variant type: single nucleotide variant.
Coding change: c.3308G>T on transcript NM_006648.4 (MANE Select); coding-DNA position 3308, G replaced by T.
Protein change: p.Gly1103Val; replaces glycine 1103 with valine.
Molecular consequence: missense variant.
Genome position (GRCh38, 1-based): chr9:93,262,055, G>T. VCF-style: chr9-93262055-G-T. GRCh37 (hg19) VCF-style: chr9-96024337-G-T.
Other names: c.3308G>T, p.Gly1103Val (NM_001282394.3); short protein forms G1103V.
Identifiers: ClinVar variation 4605388 (VCV004605388.1).
Genomic context (GRCh38, chr9:93,262,055, plus strand): 5'-TGCCCACCCAGACTGCCACACTTCTGCCACCAGCAAACCCACCGCTGCCTGGCGGGCCCG[G>T]GATCGCCAGCCCTTGCCCAACTGTCCAGCTGACGGTGGAACCAGTCCAAGAGGTGTGTGC-3'
Protein context (NP_006639.3, residues 1093-1113): PANPPLPGGP[Gly1103Val]IASPCPTVQL

ClinVar aggregate classification (germline): Uncertain significance (1 of 4 stars; one submission).

Submission:

Ambry Genetics
Classification: Uncertain significance. Last evaluated: 2025-11-25. Review status: criteria provided, single submitter. Criteria: Ambry Variant Classification Scheme 2023. Collection method: clinical testing. Allele origin: germline.
Comment: The p.G1103V variant (also known as c.3308G>T), located in coding exon 12 of the WNK2 gene, results from a G to T substitution at nucleotide position 3308. The glycine at codon 1103 is replaced by valine, an amino acid with dissimilar properties. This amino acid position is conserved. In addition, this alteration is predicted to be tolerated by in silico analysis. Based on the available evidence, the clinical significance of this variant remains unclear.